The following is an entry in ClinVar:

ClinVar aggregate classification (germline): Benign. Review status: criteria provided, multiple submitters, no conflicts (2 of 4 stars). 3 submissions from 3 submitters: Benign (3). Last evaluated 2019-03-31.

Conditions:
Hypoparathyroidism, deafness, renal disease syndrome (HDRS). Also called: HYPOPARATHYROIDISM, SENSORINEURAL DEAFNESS, AND RENAL DYSPLASIA SYNDROME. Identifiers: Orphanet 2237, MedGen C1840333, MONDO:0007797, OMIM 146255.

Allele frequency attached by ClinVar (database versions not stated): gnomAD 0.42864 and 0.44025; TOPMed 0.42932; 1000 Genomes Project 30x 0.48157; 1000 Genomes Project 0.49022; gnomAD exomes 0.52965.
gnomAD v4.1: 289,159 of 571,986 alleles (51%); highest among the groups gnomAD compares: East Asian, 64%; 76,623 homozygotes.

Submissions (3):

GeneDx
Classification: Benign. Last evaluated: 2019-03-31. Review status: criteria provided, single submitter. Criteria: GeneDx Variant Classification Process June 2021. Collection method: clinical testing. Allele origin: germline. Affected: yes.

Illumina Laboratory Services, Illumina
Classification: Benign for Hypoparathyroidism, deafness, renal disease syndrome. Last evaluated: 2018-01-13. Review status: criteria provided, single submitter. Criteria: ICSL Variant Classification Criteria 13 December 2019. Collection method: clinical testing. Allele origin: germline.
Comment: This variant was observed in the ICSL laboratory as part of a predisposition screen in an ostensibly healthy population. It had not been previously curated by ICSL or reported in the Human Gene Mutation Database (HGMD: prior to June 1st, 2018), and was therefore a candidate for classification through an automated scoring system. Utilizing variant allele frequency, disease prevalence and penetrance estimates, and inheritance mode, an automated score was calculated to assess if this variant is too frequent to cause the disease. Based on the score and internal cut-off values, a variant classified as benign is not then subjected to further curation. The score for this variant resulted in a classification of benign for this disease.

Breakthrough Genomics
Classification: Benign. Review status: criteria provided, single submitter. Criteria: ACMG Guidelines, 2015. Collection method: not provided. Allele origin: germline. Inheritance: Autosomal dominant inheritance. Affected: yes.

NM_001002295.2(GATA3):c.-251G>A

Gene: GATA3 (GATA binding protein 3; plus strand). Cytogenetic location: 10p14.
Variant type: single nucleotide variant.
Coding change: c.-251G>A on transcript NM_001002295.2 (MANE Select); 251 bases upstream of the start codon, G replaced by A.
Molecular consequence: 5 prime UTR variant.
Genome position (GRCh38, 1-based): chr10:8,055,405, G>A. VCF-style: chr10-8055405-G-A. GRCh37 (hg19) VCF-style: chr10-8097368-G-A.
Other names: c.-251G>A (NM_002051.3).
Identifiers: ClinVar variation 301109 (VCV000301109.8), dbSNP rs10905277, ClinGen allele CA10636146.